The following is an entry in ClinVar:

NM_002968.3(SALL1):c.3437C>T (p.Ser1146Leu)

Gene: SALL1 (spalt like transcription factor 1; minus strand). Cytogenetic location: 16q12.1.
Variant type: single nucleotide variant.
Coding change: c.3437C>T on transcript NM_002968.3 (MANE Select); coding-DNA position 3437, C replaced by T.
Protein change: p.Ser1146Leu; replaces serine 1146 with leucine.
Molecular consequence: missense variant.
Genome position (GRCh38, 1-based): chr16:51,138,785, G>A on the plus strand (C>T on the coding strand, the complement: SALL1 is on the minus strand). VCF-style: chr16-51138785-G-A. GRCh37 (hg19) VCF-style: chr16-51172696-G-A.
Other names: c.3146C>T, p.Ser1049Leu (NM_001127892.2); short protein forms S1049L, S1146L.
Identifiers: ClinVar variation 2056598 (VCV002056598.5), dbSNP rs763919896, ClinGen allele CA8052927.
Genomic context (GRCh38, chr16:51,138,785, plus strand): 5'-ATAGTGCAAGCAAAGGGTTTCTCTCCAGTGTGAGTTCTCTCGTGAATCTGCAGGGCACTC[G>A]ATGAGGAGAAGGTTTTGCCACATGTGTTGCAGTAGTGCTGCTTGGGAGTTCTCCTGGGCA-3'
Protein context (NP_002959.2, residues 1136-1156): CNTCGKTFSS[Ser1146Leu]SALQIHERTH

ClinVar aggregate classification (germline): Uncertain significance. Review status: criteria provided, multiple submitters, no conflicts (2 of 4 stars). 2 submissions from 2 submitters: Uncertain significance (2). Last evaluated 2024-05-14.

Conditions:
Townes syndrome (TBS). Also called: Townes-Brocks syndrome. Identifiers: Orphanet 857, MedGen C0265246, MeSH C536974, MONDO:0007142.

Allele frequency attached by ClinVar (database versions not stated): gnomAD 0.00001; TOPMed below 0.00001; ExAC 0.00001.
gnomAD v4.1: 9 of 1,614,048 alleles (0.00056%); highest among the groups gnomAD compares: Admixed American, 0.0017%; no homozygotes.

Submissions (2):

GeneDx
Classification: Uncertain significance. Last evaluated: 2024-05-14. Review status: criteria provided, single submitter. Criteria: GeneDx Variant Classification Process June 2021. Collection method: clinical testing. Allele origin: germline. Affected: yes.
Comment: In silico analysis supports that this missense variant has a deleterious effect on protein structure/function; Has not been previously published as pathogenic or benign to our knowledge

Labcorp Genetics (formerly Invitae), Labcorp
Classification: Uncertain significance for Townes syndrome. Last evaluated: 2022-02-04. Review status: criteria provided, single submitter. Criteria: Invitae Variant Classification Sherloc (09022015). Collection method: clinical testing. Allele origin: germline.
Comment: This sequence change replaces serine, which is neutral and polar, with leucine, which is neutral and non-polar, at codon 1146 of the SALL1 protein (p.Ser1146Leu). This variant is present in population databases (rs763919896, gnomAD 0.0009%). This variant has not been reported in the literature in individuals affected with SALL1-related conditions. Algorithms developed to predict the effect of missense changes on protein structure and function are either unavailable or do not agree on the potential impact of this missense change (SIFT: "Tolerated"; PolyPhen-2: "Possibly Damaging"; Align-GVGD: "Class C0"). In summary, the available evidence is currently insufficient to determine the role of this variant in disease. Therefore, it has been classified as a Variant of Uncertain Significance.